The following is an entry in ClinVar:

NM_052909.5(PLEKHG4B):c.2311C>T (p.Arg771Trp)

Gene: PLEKHG4B (pleckstrin homology and RhoGEF domain containing G4B; plus strand). Cytogenetic location: 5p15.33.
Variant type: single nucleotide variant.
Coding change: c.2311C>T on transcript NM_052909.5 (MANE Select); coding-DNA position 2311, C replaced by T.
Protein change: p.Arg771Trp; replaces arginine 771 with tryptophan.
Molecular consequence: missense variant.
Genome position (GRCh38, 1-based): chr5:156,173, C>T. VCF-style: chr5-156173-C-T. GRCh37 (hg19) VCF-style: chr5-156288-C-T.
Other names: short protein forms R771W.
Identifiers: ClinVar variation 161792 (VCV000161792.2), dbSNP rs193920840, ClinGen allele CA174792.

ClinVar aggregate classification (germline): Uncertain significance (0 of 4 stars; one submission).

Conditions:
Prostate cancer. Also called: Malignant tumor of prostate. Identifiers: Orphanet 1331, MedGen C0376358, MONDO:0008315, HP:0012125.

Allele frequency attached by ClinVar (database versions not stated): TOPMed 0.00002; gnomAD 0.00001 and below 0.00001; gnomAD exomes 0.00005 and 0.00003; 1000 Genomes Project 30x 0.00016; 1000 Genomes Project 0.00020; ExAC 0.00004.

Submission:

Science for Life laboratory,  Karolinska Institutet
Classification: Uncertain significance for Malignant tumor of prostate. Review status: no assertion criteria provided. Collection method: not provided. Allele origin: somatic.
Comment: TumorID:SWE-15
ClinVar note: Converted during submission from Unknown to Uncertain significance.